The following is an entry in ClinVar:

NM_000535.7(PMS2):c.2007T>A (p.Ser669Arg)

Gene: PMS2 (PMS1 homolog 2, mismatch repair system component; minus strand). Cytogenetic location: 7p22.1.
Variant type: single nucleotide variant.
Coding change: c.2007T>A on transcript NM_000535.7 (MANE Select); coding-DNA position 2007, T replaced by A.
Protein change: p.Ser669Arg; replaces serine 669 with arginine.
Molecular consequence: missense variant. On other transcripts: nonsense (1), non-coding transcript variant (1).
Genome position (GRCh38, 1-based): chr7:5,982,991, A>T on the plus strand (T>A on the coding strand, the complement: PMS2 is on the minus strand). VCF-style: chr7-5982991-A-T. GRCh37 (hg19) VCF-style: chr7-6022622-A-T.
Other names: c.1602T>A, p.Ser534Arg (NM_001018040.1, NM_001322003.2, NM_001322004.2 and 15 more transcripts); c.1851T>A, p.Ser617Arg (NM_001322006.2, NM_001406870.1); c.1689T>A, p.Ser563Arg (NM_001322007.2, NM_001322008.2, NM_001406876.1 and 1 more transcripts); c.1446T>A, p.Ser482Arg (NM_001322010.2, NM_001406906.1, NM_001406907.1); c.1074T>A, p.Ser358Arg (NM_001322011.2, NM_001322012.2); c.1434T>A, p.Ser478Arg (NM_001322013.2, NM_001406909.1); c.2007T>A, p.Ser669Arg (NM_001322014.2, NM_001406871.1); c.1698T>A, p.Ser566Arg (NM_001322015.2, NM_001406875.1, NM_001406877.1 and 5 more transcripts); and 13 more; short protein forms S482R, S511R, S514R, S557R, S563R, S677R, S358R, S498R.
Identifiers: ClinVar variation 1784347 (VCV001784347.2), dbSNP rs1416285618, ClinGen allele CA366738201.

ClinVar aggregate classification (germline): Uncertain significance (1 of 4 stars; one submission).

Conditions:
Hereditary cancer-predisposing syndrome. Also called: Neoplastic Syndromes, Hereditary; Tumor predisposition; Hereditary Cancer Syndrome; Hereditary neoplastic syndrome. Identifiers: Orphanet 140162, MedGen C0027672, MeSH D009386, MONDO:0015356.

Submission:

Ambry Genetics
Classification: Uncertain significance for Hereditary cancer-predisposing syndrome. Last evaluated: 2022-05-12. Review status: criteria provided, single submitter. Criteria: Ambry Variant Classification Scheme 2023. Collection method: clinical testing. Allele origin: germline.
Comment: The p.S669R variant (also known as c.2007T>A) is located in coding exon 12 of the PMS2 gene. The serine at codon 669 is replaced by arginine, an amino acid with dissimilar properties. This change occurs in the first base pair of coding exon 12. This amino acid position is conserved. In addition, this alteration is predicted to be tolerated by in silico analysis. Since supporting evidence is limited at this time, the clinical significance of this alteration remains unclear.